The following is an entry in ClinVar:

ClinVar aggregate classification (germline): Benign. Review status: criteria provided, single submitter (1 of 4 stars). 2 submissions from 2 submitters: Benign (1). 1 of the submissions does not count toward it. Last evaluated 2019-12-31.

Conditions:
TNK1-related disorder. Also called: TNK1-related condition.

Allele frequency attached by ClinVar (database versions not stated): gnomAD exomes 0.00099 and 0.00245; ExAC 0.00403; ESP Exome Variant Server 0.00890; gnomAD 0.00939 and 0.01013; 1000 Genomes Project 0.00998; TOPMed 0.01057; 1000 Genomes Project 30x 0.01062.
gnomAD v4.1: 2,942 of 1,611,736 alleles (0.18%); highest among the groups gnomAD compares: African/African-American, 3.2%; 38 homozygotes.

Submissions (2):

Labcorp Genetics (formerly Invitae), Labcorp
Classification: Benign. Last evaluated: 2019-12-31. Review status: criteria provided, single submitter. Criteria: Invitae Variant Classification Sherloc (09022015). Collection method: clinical testing. Allele origin: germline.

PreventionGenetics, part of Exact Sciences
Classification: Benign for TNK1-related condition. Last evaluated: 2019-04-10. Review status: no assertion criteria provided. Collection method: clinical testing. Allele origin: germline. Not counted in ClinVar's aggregate classification.
Comment: This variant is classified as benign based on ACMG/AMP sequence variant interpretation guidelines (Richards et al. 2015 PMID: 25741868, with internal and published modifications).

NM_003985.6(TNK1):c.1299G>A (p.Ser433=)

Gene: TNK1 (tyrosine kinase non receptor 1; plus strand). Cytogenetic location: 17p13.1.
Variant type: single nucleotide variant.
Coding change: c.1299G>A on transcript NM_003985.6 (MANE Select); coding-DNA position 1299, G replaced by A.
Protein change: p.Ser433=; no amino-acid change (serine 433 retained).
Molecular consequence: synonymous variant.
Genome position (GRCh38, 1-based): chr17:7,387,056, G>A. VCF-style: chr17-7387056-G-A. GRCh37 (hg19) VCF-style: chr17-7290375-G-A.
Other names: c.1314G>A, p.Ser438= (NM_001251902.3).
Identifiers: ClinVar variation 783765 (VCV000783765.6), dbSNP rs56159710, ClinGen allele CA8345158.